The following is an entry in ClinVar:

NM_024675.4(PALB2):c.2747A>G (p.Glu916Gly)

Gene: PALB2 (partner and localizer of BRCA2; minus strand). Cytogenetic location: 16p12.2.
Variant type: single nucleotide variant.
Coding change: c.2747A>G on transcript NM_024675.4 (MANE Select); coding-DNA position 2747, A replaced by G.
Protein change: p.Glu916Gly; replaces glutamic acid 916 with glycine.
Molecular consequence: missense variant. On other transcripts: intron variant (3).
Genome position (GRCh38, 1-based): chr16:23,626,237, T>C on the plus strand (A>G on the coding strand, the complement: PALB2 is on the minus strand). VCF-style: chr16-23626237-T-C. GRCh37 (hg19) VCF-style: chr16-23637558-T-C.
Other names: c.2687A>G, p.Glu896Gly (NM_001407296.1); c.2675A>G, p.Glu892Gly (NM_001407297.1); c.2747A>G, p.Glu916Gly (NM_001407299.1, NM_001407300.1, NM_001407301.1); c.1862A>G, p.Glu621Gly (NM_001407304.1, NM_001407305.1, NM_001407306.1 and 4 more transcripts); c.959A>G, p.Glu320Gly (NM_001407312.1, NM_001407313.1); c.281A>G, p.Glu94Gly (NM_001407314.1); c.2587-2143A>G (NM_001407302.1, NM_001407298.1); c.1702-2143A>G (NM_001407307.1); short protein forms E320G, E621G, E892G, E896G, E916G, E94G.
Identifiers: ClinVar variation 2755054 (VCV002755054.3), dbSNP rs2142352942, ClinGen allele CA395121816.

ClinVar aggregate classification (germline): Uncertain significance (1 of 4 stars; one submission).

Conditions:
Familial cancer of breast. Also called: BREAST CANCER, FAMILIAL; hereditary breast carcinoma; Hereditary breast cancer. Identifiers: Orphanet 227535, MedGen C0346153, MONDO:0016419, OMIM 114480. Disease mechanism: loss of function.

Submission:

Labcorp Genetics (formerly Invitae), Labcorp
Classification: Uncertain significance for Familial cancer of breast. Last evaluated: 2023-10-04. Review status: criteria provided, single submitter. Criteria: Invitae Variant Classification Sherloc (09022015). Collection method: clinical testing. Allele origin: germline.
Comment: This sequence change replaces glutamic acid, which is acidic and polar, with glycine, which is neutral and non-polar, at codon 916 of the PALB2 protein (p.Glu916Gly). This variant is not present in population databases (gnomAD no frequency). This variant has not been reported in the literature in individuals affected with PALB2-related conditions. An algorithm developed to predict the effect of missense changes on protein structure and function (PolyPhen-2) suggests that this variant is likely to be disruptive. RNA analysis performed to evaluate the impact of this missense change on mRNA splicing indicates it does not significantly alter splicing (Invitae). In summary, the available evidence is currently insufficient to determine the role of this variant in disease. Therefore, it has been classified as a Variant of Uncertain Significance.